The following is an entry in ClinVar:

ClinVar aggregate classification (germline): Uncertain significance. Review status: criteria provided, multiple submitters, no conflicts (2 of 4 stars). 3 submissions from 3 submitters: Uncertain significance (3). Last evaluated 2025-08-26.

Conditions:
Retinitis pigmentosa 78 (RP78). Identifiers: MedGen C4479481, MONDO:0044314, OMIM 617433.
Inborn genetic diseases. Identifiers: MedGen C0950123, MeSH D030342.

Allele frequency attached by ClinVar (database versions not stated): gnomAD 0.00003; TOPMed 0.00005; ExAC 0.00009; ESP Exome Variant Server 0.00044.
gnomAD v4.1: 77 of 1,560,254 alleles (0.0049%); highest among the groups gnomAD compares: Non-Finnish European, 0.0065%; no homozygotes.

Submissions (3):

Ambry Genetics
Classification: Uncertain significance for Inborn genetic diseases. Last evaluated: 2025-08-26. Review status: criteria provided, single submitter. Criteria: Ambry Variant Classification Scheme 2023. Collection method: clinical testing. Allele origin: germline.

Labcorp Genetics (formerly Invitae), Labcorp
Classification: Uncertain significance. Last evaluated: 2024-12-12. Review status: criteria provided, single submitter. Criteria: Invitae Variant Classification Sherloc (09022015). Collection method: clinical testing. Allele origin: germline.
Comment: This sequence change replaces arginine, which is basic and polar, with glutamine, which is neutral and polar, at codon 110 of the ARHGEF18 protein (p.Arg110Gln). This variant is present in population databases (rs368896153, gnomAD 0.009%). This variant has not been reported in the literature in individuals affected with ARHGEF18-related conditions. ClinVar contains an entry for this variant (Variation ID: 939165). An algorithm developed to predict the effect of missense changes on protein structure and function outputs the following: PolyPhen-2: "Benign". The glutamine amino acid residue is found in multiple mammalian species, which suggests that this missense change does not adversely affect protein function. In summary, the available evidence is currently insufficient to determine the role of this variant in disease. Therefore, it has been classified as a Variant of Uncertain Significance.

Blueprint Genetics
Classification: Uncertain significance. Last evaluated: 2023-11-15. Review status: criteria provided, single submitter. Criteria: ACMG Guidelines, 2015. Collection method: clinical testing. Allele origin: germline.

NM_001367823.1(ARHGEF18):c.968-75G>A

Gene: ARHGEF18 (Rho/Rac guanine nucleotide exchange factor 18; plus strand). Cytogenetic location: 19p13.2.
Variant type: single nucleotide variant.
Coding change: c.968-75G>A on transcript NM_001367823.1 (MANE Select); 75 bases into the intron before coding-DNA position 968, G replaced by A.
Molecular consequence: intron variant. On other transcripts: missense variant (1), 5 prime UTR variant (1).
Genome position (GRCh38, 1-based): chr19:7,440,269, G>A. VCF-style: chr19-7440269-G-A. GRCh37 (hg19) VCF-style: chr19-7505155-G-A.
Other names: c.167G>A, p.Arg56Gln (NM_001130955.2); c.-146G>A (NM_001367824.1); c.-71-75G>A (NM_015318.4); short protein forms R56Q.
Identifiers: ClinVar variation 939165 (VCV000939165.10), dbSNP rs368896153, ClinGen allele CA9136289.